The following is an entry in ClinVar:

ClinVar aggregate classification (germline): Conflicting classifications of pathogenicity. Review status: criteria provided, conflicting classifications (1 of 4 stars). 3 submissions from 3 submitters: Uncertain significance (2); Likely benign (1). Last evaluated 2026-01-26.

Conditions:
Intellectual disability, autosomal dominant 16 (CSS4). Also called: COFFIN-SIRIS SYNDROME 4. Identifiers: Orphanet 1465, MedGen C3553249, MONDO:0013821, OMIM 614609.
Rhabdoid tumor predisposition syndrome 2 (RTPS2). Identifiers: Orphanet 231108, Orphanet 69077, MedGen C2750074, MONDO:0013224, OMIM 613325.
Hereditary cancer-predisposing syndrome. Also called: Hereditary neoplastic syndrome; Neoplastic Syndromes, Hereditary; Tumor predisposition; Hereditary Cancer Syndrome. Identifiers: Orphanet 140162, MedGen C0027672, MeSH D009386, MONDO:0015356.

Allele frequency attached by ClinVar (database versions not stated): gnomAD exomes 0.00001.
gnomAD v4.1: 3 of 1,544,878 alleles (0.00019%); highest among the groups gnomAD compares: Admixed American, 0.002%; no homozygotes.

Submissions (3):

Labcorp Genetics (formerly Invitae), Labcorp
Classification: Uncertain significance for Rhabdoid tumor predisposition syndrome 2. Last evaluated: 2026-01-26. Review status: criteria provided, single submitter. Criteria: Invitae Variant Classification Sherloc (09022015). Collection method: clinical testing. Allele origin: germline.
Comment: This sequence change replaces threonine, which is neutral and polar, with alanine, which is neutral and non-polar, at codon 228 of the SMARCA4 protein (p.Thr228Ala). This variant is present in population databases (no rsID available, gnomAD 0.01%). This variant has not been reported in the literature in individuals affected with SMARCA4-related conditions. ClinVar contains an entry for this variant (Variation ID: 470446). An algorithm developed to predict the effect of missense changes on protein structure and function outputs the following: PolyPhen-2: "Benign". The alanine amino acid residue is found in multiple mammalian species, which suggests that this missense change does not adversely affect protein function. RNA analysis performed to evaluate the impact of this missense change on mRNA splicing indicates it does not significantly alter splicing (internal data). In summary, the available evidence is currently insufficient to determine the role of this variant in disease. Therefore, it has been classified as a Variant of Uncertain Significance.

Genome-Nilou Lab
Classification: Uncertain significance for Intellectual disability, autosomal dominant 16. Last evaluated: 2021-07-15. Review status: criteria provided, single submitter. Criteria: ACMG Guidelines, 2015. Collection method: clinical testing. Allele origin: germline. Affected: no.

Ambry Genetics
Classification: Likely benign for Hereditary cancer-predisposing syndrome. Last evaluated: 2021-01-23. Review status: criteria provided, single submitter. Criteria: Ambry Variant Classification Scheme 2023. Collection method: clinical testing. Allele origin: germline.

NM_003072.5(SMARCA4):c.682A>G (p.Thr228Ala)

Gene: SMARCA4 (SWI/SNF related BAF chromatin remodeling complex subunit ATPase 4; plus strand). Cytogenetic location: 19p13.2.
Variant type: single nucleotide variant.
Coding change: c.682A>G on transcript NM_003072.5 (MANE Select); coding-DNA position 682, A replaced by G.
Protein change: p.Thr228Ala; replaces threonine 228 with alanine.
Molecular consequence: missense variant. On other transcripts: non-coding transcript variant (1).
Genome position (GRCh38, 1-based): chr19:10,986,515, A>G. VCF-style: chr19-10986515-A-G. GRCh37 (hg19) VCF-style: chr19-11097191-A-G.
Other names: c.682A>G, p.Thr228Ala (NM_001128844.3, NM_001128845.2, NM_001128846.2 and 5 more transcripts); short protein forms T228A.
Identifiers: ClinVar variation 470446 (VCV000470446.16), dbSNP rs1021610405, ClinGen allele CA305286838.